The following is an entry in ClinVar:

ClinVar aggregate classification (germline): Pathogenic. Review status: criteria provided, multiple submitters, no conflicts (2 of 4 stars). 3 submissions from 3 submitters: Pathogenic (3). Last evaluated 2026-05-27.

Conditions:
Hereditary cancer-predisposing syndrome. Also called: Hereditary neoplastic syndrome; Neoplastic Syndromes, Hereditary; Tumor predisposition; Hereditary Cancer Syndrome. Identifiers: Orphanet 140162, MedGen C0027672, MeSH D009386, MONDO:0015356.
Familial adenomatous polyposis 3. Also called: NTHL1-Related Adenomatous Polyposis and Colorectal Cancer; NTHL1-associated polyposis; NTHL1 Tumor Syndrome; NTHL1-related attenuated familial adenomatous polyposis. Identifiers: Orphanet 220460, Orphanet 454840, MedGen C4225157, MONDO:0014630, OMIM 616415.

Submissions (3):

Ambry Genetics
Classification: Pathogenic for Hereditary cancer-predisposing syndrome. Last evaluated: 2026-05-27. Review status: criteria provided, single submitter. Criteria: Ambry Variant Classification Scheme 2023. Collection method: clinical testing. Allele origin: germline.
Comment: The c.191_192delTG pathogenic mutation, located in coding exon 2 of the NTHL1 gene, results from a deletion of two nucleotides at nucleotide positions 191 to 192, causing a translational frameshift with a predicted alternate stop codon (p.L64Pfs*5). This variant is considered to be rare based on population cohorts in the Genome Aggregation Database (gnomAD). This alteration is expected to result in loss of function by premature protein truncation or nonsense-mediated mRNA decay. As such, this alteration is interpreted as a disease-causing mutation.

Labcorp Genetics (formerly Invitae), Labcorp
Classification: Pathogenic. Last evaluated: 2025-12-03. Review status: criteria provided, single submitter. Criteria: Invitae Variant Classification Sherloc (09022015). Collection method: clinical testing. Allele origin: germline.
Comment: This sequence change creates a premature translational stop signal (p.Leu64Profs*5) in the NTHL1 gene. It is expected to result in an absent or disrupted protein product. Loss-of-function variants in NTHL1 are known to be pathogenic (PMID: 25938944, 26559593). This variant is not present in population databases (gnomAD no frequency). This variant has not been reported in the literature in individuals affected with NTHL1-related conditions. ClinVar contains an entry for this variant (Variation ID: 2889846). For these reasons, this variant has been classified as Pathogenic.

Myriad Genetics, Inc.
Classification: Pathogenic for Familial adenomatous polyposis 3. Last evaluated: 2023-12-28. Review status: criteria provided, single submitter. Criteria: Myriad Autosomal Dominant, Autosomal Recessive and X-Linked Classification Criteria (2023). Collection method: clinical testing. Allele origin: unknown.
Comment: This variant is considered pathogenic. This variant creates a frameshift predicted to result in premature protein truncation.

Literature cited by the submitters: PubMed 25938944 (cited by Labcorp Genetics (formerly Invitae), Labcorp); PubMed 26559593 (cited by Labcorp Genetics (formerly Invitae), Labcorp).

NM_002528.7(NTHL1):c.167_168del (p.Leu56fs)

Gene: NTHL1 (nth like DNA glycosylase 1; minus strand). Cytogenetic location: 16p13.3.
Variant type: Deletion.
Coding change: c.167_168del on transcript NM_002528.7 (MANE Select); coding-DNA positions 167 to 168, 2 bases deleted (TG; older notation c.167_168delTG).
Protein change: p.Leu56fs; shifts the reading frame from leucine 56.
Molecular consequence: frameshift variant. On other transcripts: 5 prime UTR variant (1).
Genome position (GRCh38, 1-based): chr16:2,046,314-2,046,315, CA deleted on the plus strand (TG on the coding strand, the reverse complement: NTHL1 is on the minus strand). VCF-style (leftmost placement, unchanged base first): chr16-2046313-GCA-G. GRCh37 (hg19) VCF-style: chr16-2096314-GCA-G.
Other names: c.167_168del, p.Leu56fs (NM_001318193.2); c.-12_-11del (NM_001318194.2); c.191_192delTG (NM_002528.5); short protein forms L56fs.
Identifiers: ClinVar variation 2889846 (VCV002889846.5), dbSNP rs2548321272, ClinGen allele CA2739269873.